The following is an entry in ClinVar:

NM_173543.3(DZIP1L):c.1498C>T (p.Arg500Trp)

Gene: DZIP1L (DAZ interacting zinc finger protein 1 like; minus strand). Cytogenetic location: 3q22.3.
Variant type: single nucleotide variant.
Coding change: c.1498C>T on transcript NM_173543.3 (MANE Select); coding-DNA position 1498, C replaced by T.
Protein change: p.Arg500Trp; replaces arginine 500 with tryptophan.
Molecular consequence: missense variant.
Genome position (GRCh38, 1-based): chr3:138,071,760, G>A on the plus strand (C>T on the coding strand, the complement: DZIP1L is on the minus strand). VCF-style: chr3-138071760-G-A. GRCh37 (hg19) VCF-style: chr3-137790602-G-A.
Other names: c.1498C>T, p.Arg500Trp (NM_001170538.1); c.1498C>T (NM_173543.2); short protein forms R500W.
Identifiers: ClinVar variation 2061268 (VCV002061268.3), dbSNP rs184030146, ClinGen allele CA2634895.
Genomic context (GRCh38, chr3:138,071,760, plus strand): 5'-CTCTGCTGGTGACTTCCTTGACAAGCTTTCCCCTCAGACTCAGAAATTCAGAAAACTTCC[G>A]GGCCTTCTGCTCCCGCTGGACTCTCAGCAGGGATTCCAGGTGTCTGAGAGTCTGAATCGA-3'
Protein context (NP_775814.2, residues 490-510): LLRVQREQKA[Arg500Trp]KFSEFLSLRG

ClinVar aggregate classification (germline): Uncertain significance. Review status: criteria provided, multiple submitters, no conflicts (2 of 4 stars). 2 submissions from 2 submitters: Uncertain significance (2). Last evaluated 2023-03-06.

Conditions:
Inborn genetic diseases. Identifiers: MedGen C0950123, MeSH D030342.

Allele frequency attached by ClinVar (database versions not stated): gnomAD 0.00008; TOPMed 0.00011; ExAC 0.00021; 1000 Genomes Project 30x 0.00031; 1000 Genomes Project 0.00040.
gnomAD v4.1: 100 of 1,614,146 alleles (0.0062%); highest among the groups gnomAD compares: East Asian, 0.069%; no homozygotes.

Submissions (2):

Ambry Genetics
Classification: Uncertain significance for Inborn genetic diseases. Last evaluated: 2023-03-06. Review status: criteria provided, single submitter. Criteria: Ambry Variant Classification Scheme 2023. Collection method: clinical testing. Allele origin: germline.

Labcorp Genetics (formerly Invitae), Labcorp
Classification: Uncertain significance. Last evaluated: 2022-05-12. Review status: criteria provided, single submitter. Criteria: Invitae Variant Classification Sherloc (09022015). Collection method: clinical testing. Allele origin: germline.
Comment: This sequence change replaces arginine, which is basic and polar, with tryptophan, which is neutral and slightly polar, at codon 500 of the DZIP1L protein (p.Arg500Trp). This variant is present in population databases (rs184030146, gnomAD 0.1%). This variant has not been reported in the literature in individuals affected with DZIP1L-related conditions. Algorithms developed to predict the effect of missense changes on protein structure and function are either unavailable or do not agree on the potential impact of this missense change (SIFT: "Deleterious"; PolyPhen-2: "Possibly Damaging"; Align-GVGD: "Class C0"). In summary, the available evidence is currently insufficient to determine the role of this variant in disease. Therefore, it has been classified as a Variant of Uncertain Significance.